The following is an entry in ClinVar:

NM_002225.5(IVD):c.234+17G>A

Gene: IVD (isovaleryl-CoA dehydrogenase; plus strand). Cytogenetic location: 15q15.1.
Variant type: single nucleotide variant.
Coding change: c.234+17G>A on transcript NM_002225.5 (MANE Select); 17 bases into the intron after coding-DNA position 234, G replaced by A.
Molecular consequence: intron variant. On other transcripts: missense variant (2).
Genome position (GRCh38, 1-based): chr15:40,407,742, G>A. VCF-style: chr15-40407742-G-A. GRCh37 (hg19) VCF-style: chr15-40699943-G-A.
Other names: c.251G>A, p.Arg84Gln (NM_001354599.3, NM_001354600.3); c.234+17G>A (NM_001354598.3, NM_001354601.3); c.186+17G>A (NM_001354597.3); c.145-197G>A (NM_001159508.3); short protein forms R84Q.
Identifiers: ClinVar variation 390426 (VCV000390426.5), dbSNP rs568900608, ClinGen allele CA7480544.

ClinVar aggregate classification (germline): Likely benign. Review status: criteria provided, multiple submitters, no conflicts (2 of 4 stars). 3 submissions from 3 submitters: Likely benign (2). 1 of the submissions does not count toward it. Last evaluated 2026-01-11.

Conditions:
Isovaleryl-CoA dehydrogenase deficiency (IVA). Also called: Classic Isovaleric Acidemia; ISOVALERIC ACID CoA DEHYDROGENASE DEFICIENCY; IVD DEFICIENCY; Isovaleric acidemia. Identifiers: Orphanet 33, MedGen C0268575, MONDO:0009475, OMIM 243500.

Allele frequency attached by ClinVar (database versions not stated): TOPMed 0.00002.
gnomAD v4.1: 93 of 1,597,110 alleles (0.0058%); highest among the groups gnomAD compares: Non-Finnish European, 0.007%; no homozygotes.

Submissions (3):

Labcorp Genetics (formerly Invitae), Labcorp
Classification: Likely benign for Isovaleryl-CoA dehydrogenase deficiency. Last evaluated: 2026-01-11. Review status: criteria provided, single submitter. Criteria: Invitae Variant Classification Sherloc (09022015). Collection method: clinical testing. Allele origin: germline.

GeneDx
Classification: Likely benign. Last evaluated: 2016-11-14. Review status: criteria provided, single submitter. Criteria: GeneDx Variant Classification (06012015). Collection method: clinical testing. Allele origin: germline. Affected: yes.
Comment: This variant is considered likely benign or benign based on one or more of the following criteria: it is a conservative change, it occurs at a poorly conserved position in the protein, it is predicted to be benign by multiple in silico algorithms, and/or has population frequency not consistent with disease.

Counsyl
Classification: Likely benign for Isovaleryl-CoA dehydrogenase deficiency. Last evaluated: 2017-11-08. Review status: no assertion criteria provided. Collection method: clinical testing. Allele origin: unknown. Not counted in ClinVar's aggregate classification.